The following is an entry in ClinVar:

ClinVar aggregate classification (germline): Uncertain significance (1 of 4 stars; one submission).

Conditions:
Hypertrophic cardiomyopathy. Also called: HYPERTROPHIC MYOCARDIOPATHY. Identifiers: Orphanet 217569, MedGen C0007194, MeSH D002312, MONDO:0005045, HP:0001639.

Submission:

Labcorp Genetics (formerly Invitae), Labcorp
Classification: Uncertain significance for Hypertrophic cardiomyopathy. Last evaluated: 2025-07-23. Review status: criteria provided, single submitter. Criteria: Invitae Variant Classification Sherloc (09022015). Collection method: clinical testing. Allele origin: germline.
Comment: This sequence change affects an acceptor splice site in intron 4 of the MYH7 gene. It is expected to disrupt RNA splicing. Variants that disrupt the donor or acceptor splice site typically lead to a loss of protein function (PMID: 16199547), however the current clinical and genetic evidence is not sufficient to establish whether loss-of-function variants in MYH7 cause disease. This variant is not present in population databases (gnomAD no frequency). This variant has not been reported in the literature in individuals affected with MYH7-related conditions. ClinVar contains an entry for this variant (Variation ID: 2076482). Algorithms developed to predict the effect of sequence changes on RNA splicing suggest that this variant may disrupt the consensus splice site. In summary, the available evidence is currently insufficient to determine the role of this variant in disease. Therefore, it has been classified as a Variant of Uncertain Significance.

Literature cited by the submitters: PubMed 16199547.

NM_000257.4(MYH7):c.346-2A>T

Gene: MYH7 (myosin heavy chain 7; minus strand). Cytogenetic location: 14q11.2.
Variant type: single nucleotide variant.
Coding change: c.346-2A>T on transcript NM_000257.4 (MANE Select); the canonical splice acceptor site of the intron before coding-DNA position 346, A replaced by T.
Molecular consequence: splice acceptor variant.
Genome position (GRCh38, 1-based): chr14:23,432,797, T>A on the plus strand (A>T on the coding strand, the complement: MYH7 is on the minus strand). VCF-style: chr14-23432797-T-A. GRCh37 (hg19) VCF-style: chr14-23902006-T-A.
Other names: c.346-2A>T (NM_001407004.1).
Identifiers: ClinVar variation 2076482 (VCV002076482.4), dbSNP rs2502318421, ClinGen allele CA389053019.